The following is an entry in ClinVar:

NM_007118.4(TRIO):c.8990T>C (p.Val2997Ala)

Gene: TRIO (trio Rho guanine nucleotide exchange factor; plus strand). Cytogenetic location: 5p15.2.
Variant type: single nucleotide variant.
Coding change: c.8990T>C on transcript NM_007118.4 (MANE Select); coding-DNA position 8990, T replaced by C.
Protein change: p.Val2997Ala; replaces valine 2997 with alanine.
Molecular consequence: missense variant. On other transcripts: non-coding transcript variant (1).
Genome position (GRCh38, 1-based): chr5:14,508,118, T>C. VCF-style: chr5-14508118-T-C. GRCh37 (hg19) VCF-style: chr5-14508227-T-C.
Other names: short protein forms V2997A.
Identifiers: ClinVar variation 2429641 (VCV002429641.1), dbSNP rs2477741835, ClinGen allele CA359241142.

ClinVar aggregate classification (germline): Uncertain significance (1 of 4 stars; one submission).

Submission:

GeneDx
Classification: Uncertain significance. Last evaluated: 2022-08-08. Review status: criteria provided, single submitter. Criteria: GeneDx Variant Classification Process June 2021. Collection method: clinical testing. Allele origin: germline. Affected: yes.
Comment: Not observed at significant frequency in large population cohorts (gnomAD); In silico analysis supports that this missense variant does not alter protein structure/function; Has not been previously published as pathogenic or benign to our knowledge